The following is an entry in ClinVar:

NM_000037.4(ANK1):c.5544+15G>T

Gene: ANK1 (ankyrin 1; minus strand). Cytogenetic location: 8p11.21.
Variant type: single nucleotide variant.
Coding change: c.5544+15G>T on transcript NM_000037.4 (MANE Select); 15 bases into the intron after coding-DNA position 5544, G replaced by T.
Molecular consequence: intron variant. On other transcripts: synonymous variant (3).
Genome position (GRCh38, 1-based): chr8:41,661,861, C>A on the plus strand (G>T on the coding strand, the complement: ANK1 is on the minus strand). VCF-style: chr8-41661861-C-A. GRCh37 (hg19) VCF-style: chr8-41519379-C-A.
Other names: c.384G>T, p.Gly128= (NM_001142445.2); c.5559G>T, p.Gly1853= (NM_020476.3); c.5073G>T, p.Gly1691= (NM_020477.3); c.5667+15G>T (NM_001142446.2); c.5544+15G>T (NM_020475.3); c.303+1798G>T (NM_020480.5); c.369+15G>T (NM_020478.5).
Identifiers: ClinVar variation 2805367 (VCV002805367.25), dbSNP rs1808371268, ClinGen allele CA1779067527.

ClinVar aggregate classification (germline): Likely benign. Review status: criteria provided, multiple submitters, no conflicts (2 of 4 stars). 2 submissions from 2 submitters: Likely benign (2). Last evaluated 2023-12-01.

Allele frequency attached by ClinVar (database versions not stated): TOPMed below 0.00001.

Submissions (2):

CeGaT Center for Human Genetics Tuebingen
Classification: Likely benign. Last evaluated: 2023-12-01. Review status: criteria provided, single submitter. Criteria: CeGaT Center For Human Genetics Tuebingen Variant Classification Criteria Version 2. Collection method: clinical testing. Allele origin: germline. Affected: yes. Observed: 1 variant allele.
Comment: ANK1: PM2:Supporting, BP4, BP7

Labcorp Genetics (formerly Invitae), Labcorp
Classification: Likely benign. Last evaluated: 2023-08-17. Review status: criteria provided, single submitter. Criteria: Invitae Variant Classification Sherloc (09022015). Collection method: clinical testing. Allele origin: germline.